The following is an entry in ClinVar:

ClinVar aggregate classification (germline): Uncertain significance. Review status: criteria provided, multiple submitters, no conflicts (2 of 4 stars). 4 submissions from 4 submitters: Uncertain significance (4). Last evaluated 2025-08-22.

Conditions:
Inborn genetic diseases. Identifiers: MedGen C0950123, MeSH D030342.
Cortical dysplasia-focal epilepsy syndrome (PTHSL1). Also called: Pitt-Hopkins-like syndrome 1. Identifiers: Orphanet 163681, Orphanet 221150, MedGen C2750246, MONDO:0012400, OMIM 610042.

Allele frequency attached by ClinVar (database versions not stated): TOPMed 0.00002.
gnomAD v4.1: 5 of 1,613,998 alleles (0.00031%); highest among the groups gnomAD compares: African/African-American, 0.0053%; no homozygotes.

Submissions (4):

Ambry Genetics
Classification: Uncertain significance for Inborn genetic diseases. Last evaluated: 2025-08-22. Review status: criteria provided, single submitter. Criteria: Ambry Variant Classification Scheme 2023. Collection method: clinical testing. Allele origin: germline.

Labcorp Genetics (formerly Invitae), Labcorp
Classification: Uncertain significance for Cortical dysplasia-focal epilepsy syndrome. Last evaluated: 2022-12-06. Review status: criteria provided, single submitter. Criteria: Invitae Variant Classification Sherloc (09022015). Collection method: clinical testing. Allele origin: germline.
Comment: ClinVar contains an entry for this variant (Variation ID: 937149). This variant has not been reported in the literature in individuals affected with CNTNAP2-related conditions. This variant is present in population databases (rs553418598, gnomAD 0.03%). This sequence change replaces alanine, which is neutral and non-polar, with glycine, which is neutral and non-polar, at codon 1216 of the CNTNAP2 protein (p.Ala1216Gly). Algorithms developed to predict the effect of missense changes on protein structure and function are either unavailable or do not agree on the potential impact of this missense change (SIFT: "Deleterious"; PolyPhen-2: "Benign"; Align-GVGD: "Class C0"). In summary, the available evidence is currently insufficient to determine the role of this variant in disease. Therefore, it has been classified as a Variant of Uncertain Significance.

Greenwood Genetic Center Diagnostic Laboratories, Greenwood Genetic Center
Classification: Uncertain significance. Last evaluated: 2020-08-27. Review status: criteria provided, single submitter. Criteria: ACMG Guidelines, 2015. Collection method: clinical testing. Allele origin: germline. Affected: yes.

GeneDx
Classification: Uncertain significance. Last evaluated: 2019-04-08. Review status: criteria provided, single submitter. Criteria: GeneDx Variant Classification Process June 2021. Collection method: clinical testing. Allele origin: germline. Affected: yes.
Comment: In silico analysis, which includes protein predictors and evolutionary conservation, supports that this variant does not alter protein structure/function; Has not been previously published as pathogenic or benign to our knowledge

NM_014141.6(CNTNAP2):c.3647C>G (p.Ala1216Gly)

Gene: CNTNAP2 (contactin associated protein 2; plus strand). Cytogenetic location: 7q36.1.
Variant type: single nucleotide variant.
Coding change: c.3647C>G on transcript NM_014141.6 (MANE Select); coding-DNA position 3647, C replaced by G.
Protein change: p.Ala1216Gly; replaces alanine 1216 with glycine.
Molecular consequence: missense variant.
Genome position (GRCh38, 1-based): chr7:148,383,820, C>G. VCF-style: chr7-148383820-C-G. GRCh37 (hg19) VCF-style: chr7-148080912-C-G.
Other names: short protein forms A1216G.
Identifiers: ClinVar variation 937149 (VCV000937149.13), dbSNP rs553418598, ClinGen allele CA4546717.